The following is an entry in ClinVar:

NM_138959.3(VANGL1):c.98C>T (p.Ser33Leu)

Gene: VANGL1 (VANGL planar cell polarity protein 1; plus strand). Cytogenetic location: 1p13.1.
Variant type: single nucleotide variant.
Coding change: c.98C>T on transcript NM_138959.3 (MANE Select); coding-DNA position 98, C replaced by T.
Protein change: p.Ser33Leu; replaces serine 33 with leucine.
Molecular consequence: missense variant.
Genome position (GRCh38, 1-based): chr1:115,659,667, C>T. VCF-style: chr1-115659667-C-T. GRCh37 (hg19) VCF-style: chr1-116202288-C-T.
Other names: c.98C>T, p.Ser33Leu (NM_001172411.2, NM_001172412.2); short protein forms S33L.
Identifiers: ClinVar variation 874502 (VCV000874502.4), dbSNP rs78535164, ClinGen allele CA1023145.

ClinVar aggregate classification (germline): Conflicting classifications of pathogenicity. Review status: criteria provided, conflicting classifications (1 of 4 stars). 2 submissions from 1 submitter: Uncertain significance (1); Likely benign (1). Last evaluated 2018-01-12.

Conditions:
Neural tube defect (NTD). Also called: Neural tube defects. Identifiers: Orphanet 3388, Orphanet 823, MedGen C0027794, MONDO:0018075, HP:0045005.
Sacral defect with anterior meningocele. Identifiers: MedGen C1838568, OMIM 600145.

Allele frequency attached by ClinVar (database versions not stated): TOPMed 0.00007; gnomAD exomes 0.00008 and 0.00020; gnomAD 0.00009 and 0.00011; ExAC 0.00010; 1000 Genomes Project 30x 0.00031; ESP Exome Variant Server 0.00031; 1000 Genomes Project 0.00040.
gnomAD v4.1: 305 of 1,614,090 alleles (0.019%); highest among the groups gnomAD compares: Non-Finnish European, 0.025%; no homozygotes.

Submissions (2):

Illumina Laboratory Services, Illumina
Classification: Uncertain significance for Neural tube defects, susceptibility to. Last evaluated: 2018-01-12. Review status: criteria provided, single submitter. Criteria: ICSL Variant Classification Criteria 13 December 2019. Collection method: clinical testing. Allele origin: germline.

Illumina Laboratory Services, Illumina
Classification: Likely benign for Sacral defect with anterior meningocele. Last evaluated: 2018-01-12. Review status: criteria provided, single submitter. Criteria: ICSL Variant Classification Criteria 13 December 2019. Collection method: clinical testing. Allele origin: germline.
Comment: This variant was observed in the ICSL laboratory as part of a predisposition screen in an ostensibly healthy population. It had not been previously curated by ICSL or reported in the Human Gene Mutation Database (HGMD: prior to June 1st, 2018), and was therefore a candidate for classification through an automated scoring system. Utilizing variant allele frequency, disease prevalence and penetrance estimates, and inheritance mode, an automated score was calculated to assess if this variant is too frequent to cause the disease. Based on the score and internal cut-off values, a variant classified as likely benign is not then subjected to further curation. The score for this variant resulted in a classification of likely benign for this disease.